The following is an entry in ClinVar:

ClinVar aggregate classification (germline): Uncertain significance. Review status: criteria provided, multiple submitters, no conflicts (2 of 4 stars). 6 submissions from 6 submitters: Uncertain significance (6). Last evaluated 2025-06-30.

Conditions:
Cardiomyopathy (CMYO). Also called: Cardiomyopathies. Identifiers: Orphanet 167848, MedGen C0878544, MONDO:0004994, HP:0001638. Inheritance: Various modes of inheritance.
Catecholaminergic polymorphic ventricular tachycardia (CVPT). Also called: Catecholamine-induced polymorphic ventricular tachycardia. Identifiers: Orphanet 3286, MedGen C5574922, MONDO:0017990.
Catecholaminergic polymorphic ventricular tachycardia 1. Also called: VENTRICULAR TACHYCARDIA, CATECHOLAMINERGIC POLYMORPHIC, 1, WITH OR WITHOUT ATRIAL DYSFUNCTION AND/OR DILATED CARDIOMYOPATHY; RYR2-Related Catecholaminergic Polymorphic Ventricular Tachycardia; VENTRICULAR TACHYCARDIA, STRESS-INDUCED POLYMORPHIC 1. Identifiers: Orphanet 3286, MedGen C1631597, MONDO:0011484, OMIM 604772.
Cardiovascular phenotype. Identifiers: MedGen CN230736.

Allele frequency attached by ClinVar (database versions not stated): gnomAD exomes below 0.00001; gnomAD 0.00001; TOPMed 0.00001.

Submissions (6):

Labcorp Genetics (formerly Invitae), Labcorp
Classification: Uncertain significance for Catecholaminergic polymorphic ventricular tachycardia 1. Last evaluated: 2025-06-30. Review status: criteria provided, single submitter. Criteria: Invitae Variant Classification Sherloc (09022015). Collection method: clinical testing. Allele origin: germline.
Comment: This sequence change creates a premature translational stop signal (p.Arg3345Glyfs*12) in the RYR2 gene. It is expected to result in an absent or disrupted protein product. However, the current clinical and genetic evidence is not sufficient to establish whether loss-of-function variants in RYR2 cause disease. This variant is present in population databases (no rsID available, gnomAD 0.0009%). This variant has not been reported in the literature in individuals affected with RYR2-related conditions. ClinVar contains an entry for this variant (Variation ID: 412517). In summary, the available evidence is currently insufficient to determine the role of this variant in disease. Therefore, it has been classified as a Variant of Uncertain Significance.

Ambry Genetics
Classification: Uncertain significance for Cardiovascular phenotype. Last evaluated: 2025-02-18. Review status: criteria provided, single submitter. Criteria: Ambry Variant Classification Scheme 2023. Collection method: clinical testing. Allele origin: germline.
Comment: The c.10033delA variant, located in coding exon 69 of the RYR2 gene, results from a deletion of one nucleotide at nucleotide position 10033, causing a translational frameshift with a predicted alternate stop codon (p.R3345Gfs*12). This alteration is expected to result in protein truncation or nonsense-mediated mRNA decay. However, loss of function of RYR2 has not been established as a mechanism of disease. Based on the available evidence, the clinical significance of this alteration remains unclear.

All of Us Research Program, National Institutes of Health
Classification: Uncertain significance for Catecholaminergic polymorphic ventricular tachycardia. Last evaluated: 2024-01-03. Review status: criteria provided, single submitter. Criteria: ACMG Guidelines, 2015. Collection method: clinical testing. Allele origin: germline. Inheritance: Autosomal dominant inheritance. Observed: 1 variant allele, 1 heterozygote.
Comment: This variant deletes 1 nucleotide in exon 69 of the RYR2 gene, creating a frameshift and premature translation stop signal. This variant is expected to result in an absent or non-functional protein product. To our knowledge, this variant has not been reported in individuals affected with RYR2-related disorders in the literature. This variant has been identified in 1/248808 chromosomes in the general population by the Genome Aggregation Database (gnomAD). Clinical relevance of loss-of-function RYR2 variants in autosomal dominant cardiovascular disorders is not clearly established. The available evidence is insufficient to determine the role of this variant in disease conclusively. Therefore, this variant is classified as a Variant of Uncertain Significance.

This study involves interpretation of variants in research participants for the purpose of population health screening. Participant phenotype was not available at the time of variant classification. Additional details can be found in publication PMID: 35346344, PMCID: PMC8962531

Color Diagnostics, LLC DBA Color Health
Classification: Uncertain significance for Cardiomyopathy. Last evaluated: 2023-11-27. Review status: criteria provided, single submitter. Criteria: ACMG Guidelines, 2015. Collection method: clinical testing. Allele origin: germline.
Comment: This variant deletes 1 nucleotide in exon 69 of the RYR2 gene, creating a frameshift and premature translation stop signal. This variant is expected to result in an absent or non-functional protein product. To our knowledge, this variant has not been reported in individuals affected with RYR2-related disorders in the literature. This variant has been identified in 1/248808 chromosomes in the general population by the Genome Aggregation Database (gnomAD). Clinical relevance of loss-of-function RYR2 variants in autosomal dominant cardiovascular disorders is not clearly established. The available evidence is insufficient to determine the role of this variant in disease conclusively. Therefore, this variant is classified as a Variant of Uncertain Significance.

AiLife Diagnostics
Classification: Uncertain significance. Last evaluated: 2021-12-30. Review status: criteria provided, single submitter. Criteria: ACMG Guidelines, 2015. Collection method: clinical testing. Allele origin: germline. Affected: yes. Observed: 1 variant allele.

GeneDx
Classification: Uncertain significance. Last evaluated: 2019-04-01. Review status: criteria provided, single submitter. Criteria: GeneDx Variant Classification Process June 2021. Collection method: clinical testing. Allele origin: germline. Affected: yes.
Comment: Has not been previously published as pathogenic or benign to our knowledge; Not observed at a significant frequency in large population cohorts (Lek et al., 2016); Frameshift variant predicted to result in protein truncation or nonsense mediated decay in a gene for which loss-of-function is not a known mechanism of disease; Reported in ClinVar but additional evidence is not available (ClinVar Variant ID 412517; Landrum et al., 2016)

NM_001035.3(RYR2):c.10033del (p.Arg3345fs)

Gene: RYR2 (ryanodine receptor 2; plus strand). Cytogenetic location: 1q43.
Variant type: Deletion.
Coding change: c.10033del on transcript NM_001035.3 (MANE Select); coding-DNA position 10033, one base deleted (A; older notation c.10033delA).
Protein change: p.Arg3345fs; shifts the reading frame from arginine 3345.
Molecular consequence: frameshift variant.
Genome position (GRCh38, 1-based): chr1:237,708,989, A deleted. VCF-style (leftmost placement, unchanged base first): chr1-237708988-CA-C. GRCh37 (hg19) VCF-style: chr1-237872288-CA-C.
Other names: c.10033del, p.Arg3345fs (LRG_402t1); short protein forms R3345fs.
Identifiers: ClinVar variation 412517 (VCV000412517.16), dbSNP rs1060503778, ClinGen allele CA16610084.